The following is an entry in ClinVar:

NM_014000.3(VCL):c.2396T>C (p.Met799Thr)

Gene: VCL (vinculin; plus strand). Cytogenetic location: 10q22.2.
Variant type: single nucleotide variant.
Coding change: c.2396T>C on transcript NM_014000.3 (MANE Select); coding-DNA position 2396, T replaced by C.
Protein change: p.Met799Thr; replaces methionine 799 with threonine.
Molecular consequence: missense variant.
Genome position (GRCh38, 1-based): chr10:74,105,315, T>C. VCF-style: chr10-74105315-T-C. GRCh37 (hg19) VCF-style: chr10-75865073-T-C.
Other names: c.2396T>C, p.Met799Thr (NM_003373.4); short protein forms M799T.
Identifiers: ClinVar variation 3331941 (VCV003331941.1).

ClinVar aggregate classification (germline): Uncertain significance (1 of 4 stars; one submission).

Conditions:
Cardiovascular phenotype. Identifiers: MedGen CN230736.

gnomAD v4.1: 3 of 1,612,696 alleles (0.00019%); highest among the groups gnomAD compares: East Asian, 0.0022%; no homozygotes.

Submission:

Ambry Genetics
Classification: Uncertain significance for Cardiovascular phenotype. Last evaluated: 2024-06-03. Review status: criteria provided, single submitter. Criteria: Ambry Variant Classification Scheme 2023. Collection method: clinical testing. Allele origin: germline.
Comment: The p.M799T variant (also known as c.2396T>C), located in coding exon 16 of the VCL gene, results from a T to C substitution at nucleotide position 2396. The methionine at codon 799 is replaced by threonine, an amino acid with similar properties. This amino acid position is conserved. In addition, this alteration is predicted to be tolerated by in silico analysis. Based on the available evidence, the clinical significance of this variant remains unclear.